The following is an entry in ClinVar:

NM_024675.4(PALB2):c.221del (p.Asn74fs)

Gene: PALB2 (partner and localizer of BRCA2; minus strand). Cytogenetic location: 16p12.2.
Variant type: Deletion.
Coding change: c.221del on transcript NM_024675.4 (MANE Select); coding-DNA position 221, one base deleted (A; older notation c.221delA).
Protein change: p.Asn74fs; shifts the reading frame from asparagine 74.
Molecular consequence: frameshift variant. On other transcripts: 5 prime UTR variant (8), intron variant (3).
Genome position (GRCh38, 1-based): chr16:23,636,325, T deleted on the plus strand (A on the coding strand, the reverse complement: PALB2 is on the minus strand); the first of 5 consecutive T bases (chr16:23,636,325-23,636,329); deleting any one gives the same sequence. VCF-style (leftmost placement, unchanged base first): chr16-23636324-AT-A. GRCh37 (hg19) VCF-style: chr16-23647645-AT-A.
Other names: c.161del, p.Asn54fs (NM_001407296.1); c.221del, p.Asn74fs (NM_001407297.1, NM_001407298.1, NM_001407299.1 and 3 more transcripts); c.-665del (NM_001407304.1, NM_001407305.1, NM_001407306.1 and 5 more transcripts); c.48+4785del (NM_001407314.1); c.-105+4785del (NM_001407313.1, NM_001407312.1); c.221delA (NM_024675.3); short protein forms N54fs, N74fs.
Identifiers: ClinVar variation 4856707 (VCV004856707.2).

ClinVar aggregate classification (germline): Pathogenic. Review status: criteria provided, multiple submitters, no conflicts (2 of 4 stars). 2 submissions from 2 submitters: Pathogenic (2). Last evaluated 2026-04-30.

Conditions:
Familial cancer of breast. Also called: BREAST CANCER, FAMILIAL; Hereditary breast cancer; hereditary breast carcinoma. Identifiers: Orphanet 227535, MedGen C0346153, MONDO:0016419, OMIM 114480. Disease mechanism: loss of function.
Hereditary cancer-predisposing syndrome. Also called: Hereditary neoplastic syndrome; Neoplastic Syndromes, Hereditary; Tumor predisposition; Hereditary Cancer Syndrome. Identifiers: Orphanet 140162, MedGen C0027672, MeSH D009386, MONDO:0015356.

Submissions (2):

Ambry Genetics
Classification: Pathogenic for Hereditary cancer-predisposing syndrome. Last evaluated: 2026-04-30. Review status: criteria provided, single submitter. Criteria: Ambry Variant Classification Scheme 2023. Collection method: clinical testing. Allele origin: germline.
Comment: The c.221delA pathogenic mutation, located in coding exon 4 of the PALB2 gene, results from a deletion of one nucleotide at nucleotide position 221, causing a translational frameshift with a predicted alternate stop codon (p.N74Ifs*103). This variant is considered to be rare based on population cohorts in the Genome Aggregation Database (gnomAD). This variant is expected to result in loss of function by premature protein truncation or nonsense-mediated mRNA decay. As such, this variant is interpreted as a disease-causing mutation.

Myriad Genetics, Inc.
Classification: Pathogenic for Familial cancer of breast. Last evaluated: 2026-03-18. Review status: criteria provided, single submitter. Criteria: Myriad Autosomal Dominant, Autosomal Recessive and X-Linked Classification Criteria (2023). Collection method: clinical testing. Allele origin: unknown.
Comment: This variant is considered pathogenic. This variant creates a frameshift predicted to result in premature protein truncation.